The following is an entry in ClinVar:

ClinVar aggregate classification (germline): Uncertain significance (1 of 4 stars; one submission).

Conditions:
Sulfite oxidase deficiency due to molybdenum cofactor deficiency type A. Also called: Molybdenum Cofactor Deficiency A; Molybdenum cofactor deficiency, complementation group A. Identifiers: Orphanet 308386, Orphanet 833, MedGen C1854988, MONDO:0009643, OMIM 252150.

Submission:

Labcorp Genetics (formerly Invitae), Labcorp
Classification: Uncertain significance for Sulfite oxidase deficiency due to molybdenum cofactor deficiency type A. Last evaluated: 2022-04-13. Review status: criteria provided, single submitter. Criteria: Invitae Variant Classification Sherloc (09022015). Collection method: clinical testing. Allele origin: germline.
Comment: This sequence change falls in intron 9 of the MOCS1 gene. It does not directly change the encoded amino acid sequence of the MOCS1 protein. This variant is not present in population databases (gnomAD no frequency). This variant has not been reported in the literature in individuals affected with MOCS1-related conditions. Experimental studies and prediction algorithms are not available or were not evaluated, and the effect of this variant on mRNA splicing is currently unknown. In summary, the available evidence is currently insufficient to determine the role of this variant in disease. Therefore, it has been classified as a Variant of Uncertain Significance.

NM_001358530.2(MOCS1):c.1103-19C>T

Gene: MOCS1 (molybdenum cofactor synthesis 1; minus strand). Cytogenetic location: 6p21.2.
Variant type: single nucleotide variant.
Coding change: c.1103-19C>T on transcript NM_001358530.2 (MANE Select); 19 bases into the intron before coding-DNA position 1103, C replaced by T.
Molecular consequence: intron variant.
Genome position (GRCh38, 1-based): chr6:39,909,121, G>A on the plus strand (C>T on the coding strand, the complement: MOCS1 is on the minus strand). VCF-style: chr6-39909121-G-A. GRCh37 (hg19) VCF-style: chr6-39876897-G-A.
Other names: c.842-19C>T (NM_001358531.2, NM_001358533.2, NM_001358534.2); c.1102+714C>T (NM_001358529.2); c.1103-19C>T (NM_001075098.4, NM_005943.6).
Identifiers: ClinVar variation 1973378 (VCV001973378.5), dbSNP rs1767140662, ClinGen allele CA2580074493.